The following is an entry in ClinVar:

NM_001370259.2(MEN1):c.1170G>C (p.Pro390=)

Gene: MEN1 (menin 1; minus strand). Cytogenetic location: 11q13.1.
Variant type: single nucleotide variant.
Coding change: c.1170G>C on transcript NM_001370259.2 (MANE Select); coding-DNA position 1170, G replaced by C.
Protein change: p.Pro390=; no amino-acid change (proline 390 retained).
Molecular consequence: synonymous variant.
Genome position (GRCh38, 1-based): chr11:64,805,650, C>G on the plus strand (G>C on the coding strand, the complement: MEN1 is on the minus strand). VCF-style: chr11-64805650-C-G. GRCh37 (hg19) VCF-style: chr11-64573122-C-G.
Other names: c.1185G>C, p.Pro395= (NM_000244.4, NM_130800.3, NM_130801.3 and 3 more transcripts); c.1296G>C, p.Pro432= (NM_001370251.2); c.1170G>C, p.Pro390= (NM_001370260.2, NM_001370261.2, NM_130799.3); c.1065G>C, p.Pro355= (NM_001370262.2, NM_001370263.2); c.1185G>C (NM_000244.3).
Identifiers: ClinVar variation 136164 (VCV000136164.22), dbSNP rs587780841, ClinGen allele CA009055.

ClinVar aggregate classification (germline): Benign/Likely benign. Review status: criteria provided, multiple submitters, no conflicts (2 of 4 stars). 8 submissions from 8 submitters: Benign (2); Likely benign (5). 1 of the submissions does not count toward it. Last evaluated 2026-01-17.

Conditions:
MEN1-related disorder. Also called: MEN1-related condition.
Hereditary cancer-predisposing syndrome. Also called: Tumor predisposition; Hereditary neoplastic syndrome; Neoplastic Syndromes, Hereditary; Hereditary Cancer Syndrome. Identifiers: Orphanet 140162, MedGen C0027672, MeSH D009386, MONDO:0015356.
Multiple endocrine neoplasia, type 1 (MEN1). Also called: Endocrine adenomatosis multiple; MEN 1; MEN I; WERMER SYNDROME; MEA I. Identifiers: Orphanet 652, MedGen C0025267, MeSH D018761, MONDO:0007540, OMIM 131100.

Allele frequency attached by ClinVar (database versions not stated): TOPMed 0.00003.

Submissions (8):

Labcorp Genetics (formerly Invitae), Labcorp
Classification: Likely benign for Multiple endocrine neoplasia, type 1. Last evaluated: 2026-01-17. Review status: criteria provided, single submitter. Criteria: Invitae Variant Classification Sherloc (09022015). Collection method: clinical testing. Allele origin: germline.

KCCC/NGS Laboratory, Kuwait Cancer Control Center
Classification: Benign for Multiple endocrine neoplasia, type 1. Last evaluated: 2025-02-01. Review status: criteria provided, single submitter. Criteria: ACMG Guidelines, 2015. Collection method: clinical testing. Allele origin: germline. Affected: no.

Myriad Genetics, Inc.
Classification: Benign for Multiple endocrine neoplasia, type 1. Last evaluated: 2024-11-04. Review status: criteria provided, single submitter. Criteria: Myriad Autosomal Dominant, Autosomal Recessive and X-Linked Classification Criteria (2023). Collection method: clinical testing. Allele origin: unknown.
Comment: This variant is considered benign. This variant is a silent/synonymous amino acid change and it is not expected to impact splicing.

All of Us Research Program, National Institutes of Health
Classification: Likely benign for Multiple endocrine neoplasia, type 1. Last evaluated: 2024-02-05. Review status: criteria provided, single submitter. Criteria: ACMG Guidelines, 2015. Collection method: clinical testing. Allele origin: germline. Inheritance: Autosomal dominant inheritance. Observed: 11 variant alleles, 11 heterozygotes.
Comment: This study involves interpretation of variants in research participants for the purpose of population health screening. Participant phenotype was not available at the time of variant classification. Additional details can be found in publication PMID: 35346344, PMCID: PMC8962531

ARUP Laboratories, Molecular Genetics and Genomics, ARUP Laboratories
Classification: Likely benign. Last evaluated: 2023-04-22. Review status: criteria provided, single submitter. Criteria: ARUP Molecular Germline Variant Investigation Process 2024. Collection method: clinical testing. Allele origin: germline.

Color Diagnostics, LLC DBA Color Health
Classification: Likely benign for Multiple endocrine neoplasia, type 1. Last evaluated: 2022-11-06. Review status: criteria provided, single submitter. Criteria: ACMG Guidelines, 2015. Collection method: clinical testing. Allele origin: germline.

Ambry Genetics
Classification: Likely benign for Hereditary cancer-predisposing syndrome. Last evaluated: 2016-01-18. Review status: criteria provided, single submitter. Criteria: Ambry Variant Classification Scheme 2023. Collection method: clinical testing. Allele origin: germline.

PreventionGenetics, part of Exact Sciences
Classification: Likely benign for MEN1-related condition. Last evaluated: 2021-06-17. Review status: no assertion criteria provided. Collection method: clinical testing. Allele origin: germline. Not counted in ClinVar's aggregate classification.
Comment: This variant is classified as likely benign based on ACMG/AMP sequence variant interpretation guidelines (Richards et al. 2015 PMID: 25741868, with internal and published modifications).